The following is an entry in ClinVar:

NM_018233.4(OGFOD1):c.1321C>T (p.His441Tyr)

Genes: BBS2 (Bardet-Biedl syndrome 2; minus strand), OGFOD1 (2-oxoglutarate and iron dependent oxygenase domain containing 1; plus strand). Cytogenetic location: 16q13.
Variant type: single nucleotide variant.
Coding change: c.1321C>T on transcript NM_018233.4 (MANE Select); coding-DNA position 1321, C replaced by T.
Protein change: p.His441Tyr; replaces histidine 441 with tyrosine.
Molecular consequence: missense variant. On other transcripts: intron variant (1).
Genome position (GRCh38, 1-based): chr16:56,474,863, C>T. VCF-style: chr16-56474863-C-T. GRCh37 (hg19) VCF-style: chr16-56508775-C-T.
Other names: NC_000016.9:g.56508775C>T; c.1318C>T, p.His440Tyr (NM_001324357.2); c.1156C>T, p.His386Tyr (NM_001324358.2, NM_001324361.1); c.1030C>T, p.His344Tyr (NM_001324359.1, NM_001324360.2); c.901C>T, p.His301Tyr (NM_001324362.1); c.1207C>T, p.His403Tyr (NM_001324363.2); c.*1-4249G>A (NM_001377456.1); short protein forms H301Y, H441Y, H344Y, H386Y, H440Y, H403Y.
Identifiers: ClinVar variation 4413034 (VCV004413034.2).

ClinVar aggregate classification (germline): Likely benign (1 of 4 stars; one submission).

gnomAD v4.1: 2,776 of 1,612,796 alleles (0.17%); highest among the groups gnomAD compares: Admixed American, 0.3%; 3 homozygotes.

Submissions (5):

CeGaT Center for Human Genetics Tuebingen
Classification: Likely benign. Last evaluated: 2026-07-01. Review status: criteria provided, single submitter. Criteria: CeGaT Center For Human Genetics Tuebingen Variant Classification Criteria Version 2. Collection method: clinical testing. Allele origin: germline. Affected: yes. Observed: 1 variant allele.
Comment: OGFOD1: BP4

Dr. Peter K. Rogan Lab, Western University
No classification provided (evidence only). Condition: Melanoma. Review status: no classification provided. Collection method: in vitro. Allele origin: not applicable. Functional consequence: retained intron. Not counted in ClinVar's aggregate classification.

Dr. Peter K. Rogan Lab, Western University
No classification provided (evidence only). Condition: Colon adenocarcinoma. Review status: no classification provided. Collection method: in vitro. Allele origin: not applicable. Functional consequence: retained intron. Not counted in ClinVar's aggregate classification.

Dr. Peter K. Rogan Lab, Western University
No classification provided (evidence only). Condition: Adrenocortical carcinoma, hereditary. Review status: no classification provided. Collection method: in vitro. Allele origin: not applicable. Functional consequence: retained intron. Not counted in ClinVar's aggregate classification.

Dr. Peter K. Rogan Lab, Western University
No classification provided (evidence only). Condition: Adrenocortical carcinoma, hereditary. Review status: no classification provided. Collection method: in vitro. Allele origin: not applicable. Functional consequence: retained intron. Not counted in ClinVar's aggregate classification.